The following is an entry in ClinVar:

ClinVar aggregate classification (germline): Uncertain significance (1 of 4 stars; one submission).

Conditions:
ADCY3-related disorder. Also called: ADCY3-related condition.

Submission:

PreventionGenetics, part of Exact Sciences
Classification: Uncertain significance for ADCY3-related condition. Last evaluated: 2026-09-01. Review status: criteria provided, single submitter. Criteria: ACMG Guidelines, 2015. Collection method: clinical testing. Allele origin: germline.
Comment: The ADCY3 c.1622G>A variant is predicted to result in the amino acid substitution p.Ser541Asn. To our knowledge, this variant has not been reported in the literature. This variant is reported in 0.0029% of alleles in individuals of Latino descent in gnomAD. At this time, the clinical significance of this variant is uncertain due to the absence of conclusive functional and genetic evidence.

NM_004036.5(ADCY3):c.1622G>A (p.Ser541Asn)

Gene: ADCY3 (adenylate cyclase 3; minus strand). Cytogenetic location: 2p23.3.
Variant type: single nucleotide variant.
Coding change: c.1622G>A on transcript NM_004036.5 (MANE Select); coding-DNA position 1622, G replaced by A.
Protein change: p.Ser541Asn; replaces serine 541 with asparagine.
Molecular consequence: missense variant.
Genome position (GRCh38, 1-based): chr2:24,836,957, C>T on the plus strand (G>A on the coding strand, the complement: ADCY3 is on the minus strand). VCF-style: chr2-24836957-C-T. GRCh37 (hg19) VCF-style: chr2-25059826-C-T.
Other names: c.1622G>A, p.Ser541Asn (NM_001320613.2, NM_001377129.1, NM_001377130.1 and 1 more transcripts); c.1688G>A, p.Ser563Asn (NM_001377128.1); c.899G>A, p.Ser300Asn (NM_001377131.1); short protein forms S541N, S300N, S563N.
Identifiers: ClinVar variation 4999004 (VCV004999004.1).
Genomic context (GRCh38, chr2:24,836,957, plus strand): 5'-GCCCTGAGCCCTGCACATACCTGGGCATCCTGCTCCTCGGGCTTCTCCGACGTGGACCCA[C>T]TGCTGTGGGCACTCCCGTTGGGCTCCTTGGTCTCAATGAGGGCAGGGGAGCTGGACTTTG-3'
Protein context (NP_004027.2, residues 531-551): TKEPNGSAHS[Ser541Asn]GSTSEKPEEQ